The following is an entry in ClinVar:

NM_018993.4(RIN2):c.1127C>T (p.Thr376Ile)

Gene: RIN2 (Ras and Rab interactor 2; plus strand). Cytogenetic location: 20p11.23.
Variant type: single nucleotide variant.
Coding change: c.1127C>T on transcript NM_018993.4 (MANE Select); coding-DNA position 1127, C replaced by T.
Protein change: p.Thr376Ile; replaces threonine 376 with isoleucine.
Molecular consequence: missense variant.
Genome position (GRCh38, 1-based): chr20:19,975,152, C>T. VCF-style: chr20-19975152-C-T. GRCh37 (hg19) VCF-style: chr20-19955796-C-T.
Other names: c.1274C>T, p.Thr425Ile (NM_001242581.2); c.509C>T, p.Thr170Ile (NM_001378238.1); c.1127C>T (NM_018993.3); short protein forms T376I, T170I, T425I.
Identifiers: ClinVar variation 2144545 (VCV002144545.3), dbSNP rs377188909, ClinGen allele CA9780016.

ClinVar aggregate classification (germline): Uncertain significance. Review status: criteria provided, multiple submitters, no conflicts (2 of 4 stars). 3 submissions from 3 submitters: Uncertain significance (3). Last evaluated 2025-07-02.

Conditions:
Inborn genetic diseases. Identifiers: MedGen C0950123, MeSH D030342.

Allele frequency attached by ClinVar (database versions not stated): gnomAD exomes 0.00002; ExAC 0.00004; gnomAD 0.00004; TOPMed 0.00004; ESP Exome Variant Server 0.00008.
gnomAD v4.1: 35 of 1,612,612 alleles (0.0022%); highest among the groups gnomAD compares: Non-Finnish European, 0.0028%; no homozygotes.

Submissions (3):

Ambry Genetics
Classification: Uncertain significance for Inborn genetic diseases. Last evaluated: 2025-07-02. Review status: criteria provided, single submitter. Criteria: Ambry Variant Classification Scheme 2023. Collection method: clinical testing. Allele origin: germline.

GeneDx
Classification: Uncertain significance. Last evaluated: 2024-07-02. Review status: criteria provided, single submitter. Criteria: GeneDx Variant Classification Process June 2021. Collection method: clinical testing. Allele origin: germline. Affected: yes.
Comment: Has not been previously published as pathogenic or benign to our knowledge; Not observed at significant frequency in large population cohorts (gnomAD); In silico analysis indicates that this missense variant does not alter protein structure/function

Labcorp Genetics (formerly Invitae), Labcorp
Classification: Uncertain significance. Last evaluated: 2022-08-06. Review status: criteria provided, single submitter. Criteria: Invitae Variant Classification Sherloc (09022015). Collection method: clinical testing. Allele origin: germline.
Comment: This sequence change replaces threonine, which is neutral and polar, with isoleucine, which is neutral and non-polar, at codon 376 of the RIN2 protein (p.Thr376Ile). This variant is present in population databases (rs377188909, gnomAD 0.005%). This variant has not been reported in the literature in individuals affected with RIN2-related conditions. Algorithms developed to predict the effect of missense changes on protein structure and function are either unavailable or do not agree on the potential impact of this missense change (SIFT: "Tolerated"; PolyPhen-2: "Not Available"; Align-GVGD: "Class C0"). In summary, the available evidence is currently insufficient to determine the role of this variant in disease. Therefore, it has been classified as a Variant of Uncertain Significance.